The following is an entry in ClinVar:

NM_000059.4(BRCA2):c.7436-131C>T

Gene: BRCA2 (BRCA2 DNA repair associated; plus strand). Cytogenetic location: 13q13.1.
Variant type: single nucleotide variant.
Coding change: c.7436-131C>T on transcript NM_000059.4 (MANE Select); 131 bases into the intron before coding-DNA position 7436, C replaced by T.
Molecular consequence: intron variant.
Genome position (GRCh38, 1-based): chr13:32,356,297, C>T. VCF-style: chr13-32356297-C-T. GRCh37 (hg19) VCF-style: chr13-32930434-C-T.
Other names: IVS 14-131C>T.
Identifiers: ClinVar variation 209756 (VCV000209756.4), dbSNP rs11571706, ClinGen allele CA276724.

ClinVar aggregate classification (germline): Benign. Review status: reviewed by expert panel (3 of 4 stars). 2 submissions from 2 submitters: Benign (1). 1 of the submissions does not count toward it. Last evaluated 2015-01-12.

Conditions:
Breast-ovarian cancer, familial, susceptibility to, 2 (BROVCA2). Also called: BRCA2 Hereditary Breast and Ovarian Cancer. Identifiers: Orphanet 145, MedGen C2675520, MONDO:0012933, OMIM 612555. Disease mechanism: loss of function.

Allele frequency attached by ClinVar (database versions not stated): gnomAD exomes 0.00075; 1000 Genomes Project 0.00599; 1000 Genomes Project 30x 0.00671; gnomAD 0.00711 and 0.00767; TOPMed 0.00807.
gnomAD v4.1: 1,609 of 842,288 alleles (0.19%); highest among the groups gnomAD compares: African/African-American, 2.4%; 24 homozygotes.

Submissions (2):

Evidence-based Network for the Interpretation of Germline Mutant Alleles (ENIGMA)
Classification: Benign for Breast-ovarian cancer, familial 2. Last evaluated: 2015-01-12. Review status: reviewed by expert panel. Criteria: ENIGMA BRCA1/2 Classification Criteria (2015). Collection method: curation. Allele origin: germline.
Comment: Class 1 not pathogenic based on frequency >1% in an outbred sampleset. Frequency 0.01626 (African), derived from 1000 genomes (2012-04-30).

GeneDx
Classification: Likely benign. Last evaluated: 2018-06-26. Review status: criteria provided, single submitter. Criteria: GeneDx Variant Classification Process June 2021. Collection method: clinical testing. Allele origin: germline. Affected: yes. Not counted in ClinVar's aggregate classification.